The following is an entry in ClinVar:

ClinVar aggregate classification (germline): Conflicting classifications of pathogenicity. Review status: criteria provided, conflicting classifications (1 of 4 stars). 4 submissions from 4 submitters: Uncertain significance (2); Likely benign (2). Last evaluated 2026-05-21.

Conditions:
Familial thoracic aortic aneurysm and aortic dissection (TAAD). Also called: Thoracic aortic aneurysms and dissections. Identifiers: Orphanet 91387, MedGen C4707243, MONDO:0019625.
Marfan syndrome (MFS). Also called: MARFAN SYNDROME, TYPE I; Marfan syndrome type 1; Marfan's syndrome; Marfan syndrome, classic; FBN1-Related Marfan Syndrome. Identifiers: Orphanet 284963, Orphanet 558, MedGen C0024796, MONDO:0007947, OMIM 154700.

Allele frequency attached by ClinVar (database versions not stated): gnomAD 0.00003; ESP Exome Variant Server 0.00008; TOPMed 0.00003.
gnomAD v4.1: 4 of 1,613,938 alleles (0.00025%); highest among the groups gnomAD compares: African/African-American, 0.0053%; no homozygotes.

Submissions (4):

Ambry Genetics
Classification: Likely benign for Familial thoracic aortic aneurysm and aortic dissection. Last evaluated: 2026-05-21. Review status: criteria provided, single submitter. Criteria: Ambry Variant Classification Scheme 2023. Collection method: clinical testing. Allele origin: germline.

Molecular Diagnostic Laboratory for Inherited Cardiovascular Disease, Montreal Heart Institute
Classification: Likely benign. Last evaluated: 2026-03-27. Review status: criteria provided, single submitter. Criteria: ACMG Guidelines, 2015. Collection method: clinical testing. Allele origin: germline. Affected: no.
Comment: BS1;BP4;PP2

Women's Health and Genetics/Laboratory Corporation of America, LabCorp
Classification: Uncertain significance. Last evaluated: 2025-10-06. Review status: criteria provided, single submitter. Criteria: LabCorp Variant Classification Summary - May 2015. Collection method: clinical testing. Allele origin: germline.
Comment: Variant summary: FBN1 c.4421T>C (p.Ile1474Thr) results in a non-conservative amino acid change in the encoded protein sequence. Algorithms developed to predict the effect of missense changes on protein structure and function are either unavailable or do not agree on the potential impact of this missense change. The variant allele was found at a frequency of 2.5e-06 in 1606944 control chromosomes. The available data on variant occurrences in the general population are insufficient to allow any conclusion about variant significance. To our knowledge, no occurrence of c.4421T>C in individuals affected with FBN1-related conditions and no experimental evidence demonstrating its impact on protein function have been reported. ClinVar contains an entry for this variant (Variation ID: 3073120). Based on the evidence outlined above, the variant was classified as uncertain significance.

All of Us Research Program, National Institutes of Health
Classification: Uncertain significance for Marfan syndrome. Last evaluated: 2023-11-30. Review status: criteria provided, single submitter. Criteria: ACMG Guidelines, 2015. Collection method: clinical testing. Allele origin: germline. Inheritance: Autosomal dominant inheritance. Observed: 1 variant allele, 1 heterozygote.
Comment: This study involves interpretation of variants in research participants for the purpose of population health screening. Participant phenotype was not available at the time of variant classification. Additional details can be found in publication PMID: 35346344, PMCID: PMC8962531

NM_000138.5(FBN1):c.4421T>C (p.Ile1474Thr)

Gene: FBN1 (fibrillin 1; minus strand). Cytogenetic location: 15q21.1.
Variant type: single nucleotide variant.
Coding change: c.4421T>C on transcript NM_000138.5 (MANE Select); coding-DNA position 4421, T replaced by C.
Protein change: p.Ile1474Thr; replaces isoleucine 1474 with threonine.
Molecular consequence: missense variant.
Genome position (GRCh38, 1-based): chr15:48,470,672, A>G on the plus strand (T>C on the coding strand, the complement: FBN1 is on the minus strand). VCF-style: chr15-48470672-A-G. GRCh37 (hg19) VCF-style: chr15-48762869-A-G.
Other names: c.4421T>C, p.Ile1474Thr (NM_001406716.1); short protein forms I1474T.
Identifiers: ClinVar variation 3073120 (VCV003073120.4), dbSNP rs375670968, ClinGen allele CA269554378.